The following is an entry in ClinVar:

NM_004937.3(CTNS):c.914A>T (p.Asp305Val)

Gene: CTNS (cystinosin, lysosomal cystine transporter; plus strand). Cytogenetic location: 17p13.2.
Variant type: single nucleotide variant.
Coding change: c.914A>T on transcript NM_004937.3 (MANE Select); coding-DNA position 914, A replaced by T.
Protein change: p.Asp305Val; replaces aspartic acid 305 with valine.
Molecular consequence: missense variant.
Genome position (GRCh38, 1-based): chr17:3,659,919, A>T. VCF-style: chr17-3659919-A-T. GRCh37 (hg19) VCF-style: chr17-3563213-A-T.
Other names: c.914A>T, p.Asp305Val (NM_001031681.3, NM_001374492.1); c.473A>T, p.Asp158Val (NM_001374493.1, NM_001374494.1, NM_001374495.1 and 1 more transcripts); short protein forms D158V, D305V.
Identifiers: ClinVar variation 3251333 (VCV003251333.1), dbSNP rs1263951539.
Genomic context (GRCh38, chr17:3,659,919, plus strand): 5'-CCTACATGAACTTTTACTACAAAAGCACTGAGGGCTGGAGCATTGGCAACGTGCTCCTGG[A>T]CTTCACCGGGGGCAGCTTCAGCCTCCTGCAGATGTTCCTCCAGTCCTACAACAACGGTGA-3'
Protein context (NP_004928.2, residues 295-315): EGWSIGNVLL[Asp305Val]FTGGSFSLLQ

ClinVar aggregate classification (germline): Uncertain significance (1 of 4 stars; one submission).

Submission:

Women's Health and Genetics/Laboratory Corporation of America, LabCorp
Classification: Uncertain significance. Last evaluated: 2024-04-12. Review status: criteria provided, single submitter. Criteria: LabCorp Variant Classification Summary - May 2015. Collection method: clinical testing. Allele origin: germline.
Comment: Variant summary: CTNS c.914A>T (p.Asp305Val) results in a non-conservative amino acid change in the encoded protein sequence. Five of five in-silico tools predict a damaging effect of the variant on protein function. The variant was absent in 251094 control chromosomes. The available data on variant occurrences in the general population are insufficient to allow any conclusion about variant significance. To our knowledge, no occurrence of c.914A>T in individuals affected with Cystinosis and no experimental evidence demonstrating its impact on protein function have been reported. No submitters have cited clinical-significance assessments for this variant to ClinVar. Based on the evidence outlined above, the variant was classified as uncertain significance.